The following is an entry in ClinVar:

NM_001002295.2(GATA3):c.896G>T (p.Arg299Leu)

Gene: GATA3 (GATA binding protein 3; plus strand). Cytogenetic location: 10p14.
Variant type: single nucleotide variant.
Coding change: c.896G>T on transcript NM_001002295.2 (MANE Select); coding-DNA position 896, G replaced by T.
Protein change: p.Arg299Leu; replaces arginine 299 with leucine.
Molecular consequence: missense variant.
Genome position (GRCh38, 1-based): chr10:8,064,110, G>T. VCF-style: chr10-8064110-G-T. GRCh37 (hg19) VCF-style: chr10-8106073-G-T.
Other names: c.893G>T, p.Arg298Leu (NM_002051.3); short protein forms R298L, R299L.
Identifiers: ClinVar variation 1699381 (VCV001699381.6), dbSNP rs2131501118, ClinGen allele CA375973713.

ClinVar aggregate classification (germline): Conflicting classifications of pathogenicity. Review status: criteria provided, conflicting classifications (1 of 4 stars). 2 submissions from 2 submitters: Pathogenic (1); Uncertain significance (1). Last evaluated 2023-10-05.

Conditions:
Hypoparathyroidism, deafness, renal disease syndrome (HDRS). Also called: HYPOPARATHYROIDISM, SENSORINEURAL DEAFNESS, AND RENAL DYSPLASIA SYNDROME. Identifiers: Orphanet 2237, MedGen C1840333, MONDO:0007797, OMIM 146255.

Submissions (2):

Labcorp Genetics (formerly Invitae), Labcorp
Classification: Uncertain significance. Last evaluated: 2023-10-05. Review status: criteria provided, single submitter. Criteria: Invitae Variant Classification Sherloc (09022015). Collection method: clinical testing. Allele origin: germline.
Comment: This sequence change replaces arginine, which is basic and polar, with leucine, which is neutral and non-polar, at codon 299 of the GATA3 protein (p.Arg299Leu). This variant is not present in population databases (gnomAD no frequency). This variant has not been reported in the literature in individuals affected with GATA3-related conditions. ClinVar contains an entry for this variant (Variation ID: 1699381). Advanced modeling of protein sequence and biophysical properties (such as structural, functional, and spatial information, amino acid conservation, physicochemical variation, residue mobility, and thermodynamic stability) performed at Invitae indicates that this missense variant is expected to disrupt GATA3 protein function. This variant disrupts the p.Arg299 amino acid residue in GATA3. Other variant(s) that disrupt this residue have been determined to be pathogenic (PMID: 26514990, 27387476; Invitae). This suggests that this residue is clinically significant, and that variants that disrupt this residue are likely to be disease-causing. In summary, the available evidence is currently insufficient to determine the role of this variant in disease. Therefore, it has been classified as a Variant of Uncertain Significance.

Victorian Clinical Genetics Services, Murdoch Childrens Research Institute
Classification: Pathogenic for Hypoparathyroidism, deafness, renal disease syndrome. Last evaluated: 2022-09-02. Review status: criteria provided, single submitter. Criteria: ACMG Guidelines, 2015. Collection method: clinical testing. Allele origin: germline. Inheritance: Autosomal dominant inheritance. Affected: yes.
Comment: Based on the classification scheme VCGS_Germline_v1.3.4, this variant is classified as Pathogenic. Following criteria are met: 0102 - Loss of function is a known mechanism of disease in this gene and is associated with hypoparathyroidism, sensorineural deafness, and renal dysplasia (MIM#146255). It should also be noted that dominant-negative has been demonstrated as a mechanism of disease, associated with one missense variant within the zinc-finger domain (PMID: 21120445). (I) 0107 - This gene is associated with autosomal dominant disease. (I) 0115 - Variants in this gene are known to have variable expressivity. Intra- and inter-familial variability have been reported (OMIM). (I) 0200 - Variant is predicted to result in a missense amino acid change from arginine to a leucine. (I) 0251 - This variant is heterozygous. (I) 0301 - Variant is absent from gnomAD (both v2 and v3). (SP) 0501 - Missense variant consistently predicted to be damaging by multiple in silico tools and highly conserved with a major amino acid change. (SP) 0601 - Variant is located in the region encompassing the well-established functional zinc-finger binding domains which has also been suggested as a pathogenic missense variant hotspot (PMID: 32442337). (SP) 0703 - Other missense variants comparable to the one identified in this case have moderate previous evidence for pathogenicity. The p.(Arg299Gln) variant has previously been reported in two families with hypoparathyroidism, deafness, and renal dysplasia with functional studies demonstrating that this variant abolished promoter activity and gene expression (PMIDs: 26514990, 27387476). Additionally, the p.(Arg299Trp) variant has been identified in one individual with clinical features of hypoparathyroidism, deafness, and renal dysplasia syndrome and classified as likely pathogenic by one clinical diagnostic laboratory (ClinVar). (SP) 0807 - This variant has no previous evidence of pathogenicity. (I) 0905 - No published segregation evidence has been identified for this variant. (I) 1007 - No published functional evidence has been identified for this variant. (SP) Legend: (SP) - Supporting pathogenic, (I) - Information, (SB) - Supporting benign

Literature cited by the submitters: PubMed 26514990 (cited by Labcorp Genetics (formerly Invitae), Labcorp and Victorian Clinical Genetics Services, Murdoch Childrens Research Institute); PubMed 27387476 (cited by Labcorp Genetics (formerly Invitae), Labcorp and Victorian Clinical Genetics Services, Murdoch Childrens Research Institute); PubMed 21120445 (cited by Victorian Clinical Genetics Services, Murdoch Childrens Research Institute); PubMed 32442337 (cited by Victorian Clinical Genetics Services, Murdoch Childrens Research Institute).